The following is an entry in ClinVar:

ClinVar aggregate classification (germline): Uncertain significance (1 of 4 stars; one submission).

Conditions:
Autoimmune lymphoproliferative syndrome type 2A (ALPS2A). Also called: AUTOIMMUNE LYMPHOPROLIFERATIVE SYNDROME, TYPE IIA; Autoimmune lymphoproliferative syndrome type 2; CASP10-Related Autoimmune Lymphoproliferative Syndrome. Identifiers: Orphanet 3261, MedGen C1858968, MONDO:0011383, OMIM 603909.

Submission:

Labcorp Genetics (formerly Invitae), Labcorp
Classification: Uncertain significance for Autoimmune lymphoproliferative syndrome type 2A. Last evaluated: 2025-12-03. Review status: criteria provided, single submitter. Criteria: Invitae Variant Classification Sherloc (09022015). Collection method: clinical testing. Allele origin: germline.
Comment: This variant, c.247_249del, results in the deletion of 1 amino acid(s) of the CASP10 protein (p.Leu83del), but otherwise preserves the integrity of the reading frame. This variant is present in population databases (rs749820662, gnomAD 0.006%). This variant has been observed in individual(s) with clinical features of CASP10-related conditions (PMID: 33225392). Experimental studies and prediction algorithms are not available or were not evaluated, and the functional significance of this variant is currently unknown. In summary, the available evidence is currently insufficient to determine the role of this variant in disease. Therefore, it has been classified as a Variant of Uncertain Significance.

Literature cited by the submitters: PubMed 33225392.

NM_032977.4(CASP10):c.244CTC[1] (p.Leu83del)

Gene: CASP10 (caspase 10; plus strand). Cytogenetic location: 2q33.1.
Variant type: Microsatellite.
Coding change: c.244CTC[1] on transcript NM_032977.4 (MANE Select); one copy of the 3-base unit CTC starting at c.244; the reference has two copies in a row; one copy, 3 bases deleted.
Protein change: p.Leu83del; deletes leucine 83.
Molecular consequence: inframe deletion.
Genome position (GRCh38, 1-based): chr2:201,186,024-201,186,026, CTC deleted; deleting any 3 consecutive bases within chr2:201,186,021-201,186,026 gives the same sequence; the position shown is the placement nearest the transcript's 3' end. VCF-style (leftmost placement, unchanged base first): chr2-201186020-ACTC-A. GRCh37 (hg19) VCF-style: chr2-202050743-ACTC-A.
Other names: c.244CTC[1], p.Leu83del (NM_001206524.2, NM_001206542.2, NM_001230.5 and 3 more transcripts); short protein forms L83del.
Identifiers: ClinVar variation 1039059 (VCV001039059.11), dbSNP rs749820662, ClinGen allele CA2052798.